The following is an entry in ClinVar:

ClinVar aggregate classification (germline): Likely benign. Review status: criteria provided, single submitter (1 of 4 stars). 2 submissions from 2 submitters: Likely benign (1). 1 of the submissions does not count toward it. Last evaluated 2025-06-02.

Conditions:
LAMA5-related disorder. Also called: LAMA5-Related Disorders; LAMA5-related condition.

Allele frequency attached by ClinVar (database versions not stated): ESP Exome Variant Server 0.00017; gnomAD 0.00019; gnomAD exomes 0.00021; TOPMed 0.00022; ExAC 0.00036.
gnomAD v4.1: 340 of 1,591,106 alleles (0.021%); highest among the groups gnomAD compares: Non-Finnish European, 0.016%; no homozygotes.

Submissions (2):

Labcorp Genetics (formerly Invitae), Labcorp
Classification: Likely benign. Last evaluated: 2025-06-02. Review status: criteria provided, single submitter. Criteria: Invitae Variant Classification Sherloc (09022015). Collection method: clinical testing. Allele origin: germline.

PreventionGenetics, part of Exact Sciences
Classification: Likely benign for LAMA5-related condition. Last evaluated: 2022-12-19. Review status: no assertion criteria provided. Collection method: clinical testing. Allele origin: germline. Not counted in ClinVar's aggregate classification.
Comment: This variant is classified as likely benign based on ACMG/AMP sequence variant interpretation guidelines (Richards et al. 2015 PMID: 25741868, with internal and published modifications).

NM_005560.6(LAMA5):c.11078C>T (p.Pro3693Leu)

Gene: LAMA5 (laminin subunit alpha 5; minus strand). Cytogenetic location: 20q13.33.
Variant type: single nucleotide variant.
Coding change: c.11078C>T on transcript NM_005560.6 (MANE Select); coding-DNA position 11078, C replaced by T.
Protein change: p.Pro3693Leu; replaces proline 3693 with leucine.
Molecular consequence: missense variant.
Genome position (GRCh38, 1-based): chr20:62,309,346, G>A on the plus strand (C>T on the coding strand, the complement: LAMA5 is on the minus strand). VCF-style: chr20-62309346-G-A. GRCh37 (hg19) VCF-style: chr20-60884402-G-A.
Other names: c.11078C>T (NM_005560.4); short protein forms P3693L.
Identifiers: ClinVar variation 2061071 (VCV002061071.6), dbSNP rs368660251, ClinGen allele CA9939457.